The following is an entry in ClinVar:

ClinVar aggregate classification (germline): Uncertain significance (1 of 4 stars; one submission).

Conditions:
Mitochondrial hypertrophic cardiomyopathy with lactic acidosis due to MTO1 deficiency. Also called: Combined oxidative phosphorylation deficiency 10; CARDIOMYOPATHY, INFANTILE HYPERTROPHIC MITOCHONDRIAL, AND LACTIC ACIDOSIS. Identifiers: Orphanet 314637, MedGen C4749921, MONDO:0013865, OMIM 614702.

Submission:

Labcorp Genetics (formerly Invitae), Labcorp
Classification: Uncertain significance for Mitochondrial hypertrophic cardiomyopathy with lactic acidosis due to MTO1 deficiency. Last evaluated: 2025-10-02. Review status: criteria provided, single submitter. Criteria: Invitae Variant Classification Sherloc (09022015). Collection method: clinical testing. Allele origin: germline.
Comment: This sequence change replaces proline, which is neutral and non-polar, with leucine, which is neutral and non-polar, at codon 637 of the MTO1 protein (p.Pro637Leu). This variant is not present in population databases (gnomAD no frequency). This variant has not been reported in the literature in individuals affected with MTO1-related conditions. ClinVar contains an entry for this variant (Variation ID: 2826982). Invitae Evidence Modeling of protein sequence and biophysical properties (such as structural, functional, and spatial information, amino acid conservation, physicochemical variation, residue mobility, and thermodynamic stability) has been performed for this missense variant. However, the output from this modeling did not meet the statistical confidence thresholds required to predict the impact of this variant on MTO1 protein function. In summary, the available evidence is currently insufficient to determine the role of this variant in disease. Therefore, it has been classified as a Variant of Uncertain Significance.

NM_012123.4(MTO1):c.1910C>T (p.Pro637Leu)

Gene: MTO1 (mitochondrial tRNA translation optimization 1; plus strand). Cytogenetic location: 6q13.
Variant type: single nucleotide variant.
Coding change: c.1910C>T on transcript NM_012123.4 (MANE Select); coding-DNA position 1910, C replaced by T.
Protein change: p.Pro637Leu; replaces proline 637 with leucine.
Molecular consequence: missense variant.
Genome position (GRCh38, 1-based): chr6:73,497,889, C>T. VCF-style: chr6-73497889-C-T. GRCh37 (hg19) VCF-style: chr6-74207612-C-T.
Other names: c.2030C>T, p.Pro677Leu (NM_001123226.2); c.1985C>T, p.Pro662Leu (NM_133645.3); short protein forms P662L, P637L, P677L.
Identifiers: ClinVar variation 2826982 (VCV002826982.3), dbSNP rs2533312074, ClinGen allele CA364701361.